The following is an entry in ClinVar:

ClinVar aggregate classification (germline): Conflicting classifications of pathogenicity. Review status: criteria provided, conflicting classifications (1 of 4 stars). 3 submissions from 3 submitters: Uncertain significance (2); Likely benign (1). Last evaluated 2023-06-21.

Conditions:
Hereditary pulmonary alveolar proteinosis. Also called: Pulmonary surfactant metabolism dysfunction. Identifiers: Orphanet 264675, MedGen C3711368, MONDO:0012580.
Interstitial lung disease due to ABCA3 deficiency. Also called: PULMONARY ALVEOLAR PROTEINOSIS, CONGENITAL, 3. Identifiers: Orphanet 440402, MedGen C1970456, MONDO:0012582, OMIM 610921.

Allele frequency attached by ClinVar (database versions not stated): ExAC 0.00008; ESP Exome Variant Server 0.00008; gnomAD exomes 0.00008.
gnomAD v4.1: 42 of 1,551,450 alleles (0.0027%); highest among the groups gnomAD compares: African/African-American, 0.018%; 1 homozygote.

Submissions (3):

Ambry Genetics
Classification: Likely benign for Hereditary pulmonary alveolar proteinosis. Last evaluated: 2023-06-21. Review status: criteria provided, single submitter. Criteria: Ambry Variant Classification Scheme 2023. Collection method: clinical testing. Allele origin: germline.

GeneDx
Classification: Uncertain significance. Last evaluated: 2022-11-08. Review status: criteria provided, single submitter. Criteria: GeneDx Variant Classification Process June 2021. Collection method: clinical testing. Allele origin: germline. Affected: yes.
Comment: In silico analysis supports that this missense variant does not alter protein structure/function; Has not been previously published as pathogenic or benign to our knowledge

Fulgent Genetics
Classification: Uncertain significance for Interstitial lung disease due to ABCA3 deficiency. Last evaluated: 2022-03-03. Review status: criteria provided, single submitter. Criteria: ACMG Guidelines, 2015. Collection method: clinical testing. Allele origin: unknown.

NM_001089.3(ABCA3):c.2704G>A (p.Ala902Thr)

Gene: ABCA3 (ATP binding cassette subfamily A member 3; minus strand). Cytogenetic location: 16p13.3.
Variant type: single nucleotide variant.
Coding change: c.2704G>A on transcript NM_001089.3 (MANE Select); coding-DNA position 2704, G replaced by A.
Protein change: p.Ala902Thr; replaces alanine 902 with threonine.
Molecular consequence: missense variant.
Genome position (GRCh38, 1-based): chr16:2,288,326, C>T on the plus strand (G>A on the coding strand, the complement: ABCA3 is on the minus strand). VCF-style: chr16-2288326-C-T. GRCh37 (hg19) VCF-style: chr16-2338327-C-T.
Other names: short protein forms A902T.
Identifiers: ClinVar variation 1320345 (VCV001320345.6), dbSNP rs367680713, ClinGen allele CA7840710.